The following is an entry in ClinVar:

NM_001278116.2(L1CAM):c.984C>T (p.Thr328=)

Gene: L1CAM (L1 cell adhesion molecule; minus strand). Cytogenetic location: Xq28.
Variant type: single nucleotide variant.
Coding change: c.984C>T on transcript NM_001278116.2 (MANE Select); coding-DNA position 984, C replaced by T.
Protein change: p.Thr328=; no amino-acid change (threonine 328 retained).
Molecular consequence: synonymous variant.
Genome position (GRCh38, 1-based): chrX:153,870,063, G>A on the plus strand (C>T on the coding strand, the complement: L1CAM is on the minus strand). VCF-style: chrX-153870063-G-A. GRCh37 (hg19) VCF-style: chrX-153135518-G-A.
Other names: c.984C>T, p.Thr328= (NM_000425.5, NM_024003.3); c.969C>T, p.Thr323= (NM_001143963.2).
Identifiers: ClinVar variation 458216 (VCV000458216.58), dbSNP rs200638763, ClinGen allele CA10554460.
Genomic context (GRCh38, chrX:153,870,063, plus strand): 5'-CCCCTCCCCCATGACAGTGGGCATCACAGGCCACTGTCCCAGGAGGTCCATACCCTCCAC[G>A]GTGACATAGTACGCATGCCGGGCACTGCCCAGTGAGTTCTCGGCCAGGCAGCGGTACTCG-3'
Protein context (NP_001265045.1, residues 318-338): LGSARHAYYV[Thr328=]VEAAPYWLHK

ClinVar aggregate classification (germline): Benign/Likely benign. Review status: criteria provided, multiple submitters, no conflicts (2 of 4 stars). 5 submissions from 5 submitters: Benign (2); Likely benign (3). Last evaluated 2026-06-01.

Conditions:
Inborn genetic diseases. Identifiers: MedGen C0950123, MeSH D030342.
Spastic paraplegia. Identifiers: MedGen C0037772, HP:0001258.

Allele frequency attached by ClinVar (database versions not stated): ESP Exome Variant Server 0.00009; gnomAD exomes 0.00018 and 0.00037; 1000 Genomes Project 0.00026; gnomAD 0.00028; ExAC 0.00031; TOPMed 0.00031; 1000 Genomes Project 30x 0.00042.
gnomAD v4.1: 237 of 1,210,304 alleles (0.02%); highest among the groups gnomAD compares: Middle Eastern, 0.25%; no homozygotes.

Submissions (5):

CeGaT Center for Human Genetics Tuebingen
Classification: Likely benign. Last evaluated: 2026-06-01. Review status: criteria provided, single submitter. Criteria: CeGaT Center For Human Genetics Tuebingen Variant Classification Criteria Version 2. Collection method: clinical testing. Allele origin: germline. Affected: yes. Observed: 4 variant alleles.
Comment: L1CAM: BP4, BP7, BS2

Labcorp Genetics (formerly Invitae), Labcorp
Classification: Benign for Spastic paraplegia. Last evaluated: 2026-01-27. Review status: criteria provided, single submitter. Criteria: Invitae Variant Classification Sherloc (09022015). Collection method: clinical testing. Allele origin: germline.

Blueprint Genetics
Classification: Likely benign. Last evaluated: 2024-10-18. Review status: criteria provided, single submitter. Criteria: ACMG Guidelines, 2015. Collection method: clinical testing. Allele origin: germline.

Eurofins Ntd Llc (ga)
Classification: Likely benign. Last evaluated: 2018-02-26. Review status: criteria provided, single submitter. Criteria: EGL ClinVar v180209 classification definitions. Collection method: clinical testing. Allele origin: germline. Observed: 1 variant allele, 1 hemizygote.

Ambry Genetics
Classification: Benign for Inborn genetic diseases. Last evaluated: 2017-09-28. Review status: criteria provided, single submitter. Criteria: Ambry Variant Classification Scheme 2023. Collection method: clinical testing. Allele origin: germline.